The following is an entry in ClinVar:

ClinVar aggregate classification (germline): Uncertain significance (1 of 4 stars; one submission).

Conditions:
Bardet-Biedl syndrome 2 (BBS2). Identifiers: Orphanet 110, MedGen C2936863, MONDO:0014432, OMIM 615981.

Allele frequency attached by ClinVar (database versions not stated): ExAC 0.00002.
gnomAD v4.1: 49 of 1,611,764 alleles (0.003%); highest among the groups gnomAD compares: South Asian, 0.052%; no homozygotes.

Submission:

Victorian Clinical Genetics Services, Murdoch Childrens Research Institute
Classification: Uncertain significance for Bardet-Biedl syndrome 2. Last evaluated: 2022-03-31. Review status: criteria provided, single submitter. Criteria: ACMG Guidelines, 2015. Collection method: clinical testing. Allele origin: germline. Inheritance: Autosomal recessive inheritance. Affected: yes.
Comment: Based on the classification scheme VCGS_Germline_v1.3.4, this variant is classified as VUS-3A. Following criteria are met: 0102 - Loss of function is a known mechanism of disease in this gene and is associated with Bardet-Biedl syndrome 2 (MIM#615981) and retinitis pigmentosa 74 (MIM#616562). (I) 0106 - This gene is associated with autosomal recessive disease. (I) 0200 - Variant is predicted to result in a missense amino acid change from alanine to serine. (I) 0251 - This variant is heterozygous. (I) 0304 - Variant is present in gnomAD (v2) <0.01 for a recessive condition (9 heterozygotes, 0 homozygotes). (SP) 0501 - Missense variant consistently predicted to be damaging by multiple in silico tools or highly conserved with a major amino acid change. (SP) 0600 - Variant is located in the annotated BBS2_C domain (DECIPHER). (I) 0710 - Another missense variant comparable to the one identified in this case has inconclusive previous evidence for pathogenicity. This alternative change (p.(Ala564Thr)) has been previously reported as a VUS (ClinVar). (I) 0807 - This variant has no previous evidence of pathogenicity. (I) 0905 - No published segregation evidence has been identified for this variant. (I) 1007 - No published functional evidence has been identified for this variant. (I) 1201 - Heterozygous variant detected in trans with a second pathogenic heterozygous variant (p.(Val94Serfs*8)) in a recessive disease. (I) Legend: (SP) - Supporting pathogenic, (I) - Information, (SB) - Supporting benign

NM_031885.5(BBS2):c.1690G>T (p.Ala564Ser)

Gene: BBS2 (Bardet-Biedl syndrome 2; minus strand). Cytogenetic location: 16q13.
Variant type: single nucleotide variant.
Coding change: c.1690G>T on transcript NM_031885.5 (MANE Select); coding-DNA position 1690, G replaced by T.
Protein change: p.Ala564Ser; replaces alanine 564 with serine.
Molecular consequence: missense variant. On other transcripts: non-coding transcript variant (5).
Genome position (GRCh38, 1-based): chr16:56,497,850, C>A on the plus strand (G>T on the coding strand, the complement: BBS2 is on the minus strand). VCF-style: chr16-56497850-C-A. GRCh37 (hg19) VCF-style: chr16-56531762-C-A.
Other names: c.1690G>T, p.Ala564Ser (NM_001377456.1); short protein forms A564S.
Identifiers: ClinVar variation 2500754 (VCV002500754.2), dbSNP rs780747680, ClinGen allele CA8065639.
Genomic context (GRCh38, chr16:56,497,850, plus strand): 5'-CTTCTACTTGAAGGTCTTCAATAGCAAAAAATGATGCCATTGACTGGATGATATCACCAG[C>A]CAAATCAATATCATCAGTATTTATAGTGATCTACCCAGAGAAAAAATAGACAAGTTTAGC-3'
Protein context (NP_114091.4, residues 554-574): ITINTDDIDL[Ala564Ser]GDIIQSMASF